The following is an entry in ClinVar:

NM_032447.5(FBN3):c.5579C>A (p.Thr1860Asn)

Gene: FBN3 (fibrillin 3; minus strand). Cytogenetic location: 19p13.2.
Variant type: single nucleotide variant.
Coding change: c.5579C>A on transcript NM_032447.5 (MANE Select); coding-DNA position 5579, C replaced by A.
Protein change: p.Thr1860Asn; replaces threonine 1860 with asparagine.
Molecular consequence: missense variant.
Genome position (GRCh38, 1-based): chr19:8,096,041, G>T on the plus strand (C>A on the coding strand, the complement: FBN3 is on the minus strand). VCF-style: chr19-8096041-G-T. GRCh37 (hg19) VCF-style: chr19-8160925-G-T.
Other names: c.5579C>A, p.Thr1860Asn (NM_001321431.2); short protein forms T1860N.
Identifiers: ClinVar variation 2832613 (VCV002832613.3), dbSNP rs777375567, ClinGen allele CA403727738.
Genomic context (GRCh38, chr19:8,096,041, plus strand): 5'-TGTGTCACCACAAAGCCAGGGAAGCAGAGGCAGTTGTAGGAGCCAATGATGTTCTTGCAG[G>T]TCCCATTTCCACAAGGCTGCCGGTCACACTCGTCAATGTCTGCAGAAGCAAAGCCGAGAG-3'
Protein context (NP_115823.3, residues 1850-1870): ECDRQPCGNG[Thr1860Asn]CKNIIGSYNC

ClinVar aggregate classification (germline): Uncertain significance (1 of 4 stars; one submission).

Submission:

Labcorp Genetics (formerly Invitae), Labcorp
Classification: Uncertain significance. Last evaluated: 2025-06-12. Review status: criteria provided, single submitter. Criteria: Invitae Variant Classification Sherloc (09022015). Collection method: clinical testing. Allele origin: germline.
Comment: This sequence change replaces threonine, which is neutral and polar, with asparagine, which is neutral and polar, at codon 1860 of the FBN3 protein (p.Thr1860Asn). This variant is not present in population databases (gnomAD no frequency). This variant has not been reported in the literature in individuals affected with FBN3-related conditions. ClinVar contains an entry for this variant (Variation ID: 2832613). Invitae Evidence Modeling of protein sequence and biophysical properties (such as structural, functional, and spatial information, amino acid conservation, physicochemical variation, residue mobility, and thermodynamic stability) has been performed for this missense variant. However, the output from this modeling did not meet the statistical confidence thresholds required to predict the impact of this variant on FBN3 protein function. In summary, the available evidence is currently insufficient to determine the role of this variant in disease. Therefore, it has been classified as a Variant of Uncertain Significance.